The following is an entry in ClinVar:

ClinVar aggregate classification (germline): Pathogenic (0 of 4 stars; one submission).

Conditions:
Anophthalmia/microphthalmia-esophageal atresia syndrome (MCOPS3). Also called: MICROPHTHALMIA AND ESOPHAGEAL ATRESIA SYNDROME; AEG SYNDROME; SOX2 Disorder. Identifiers: Orphanet 77298, MedGen C1859773, MONDO:0008799, OMIM 206900.

Submission:

Anophthalmia/Microphthalmia Research Registry, Einstein Medical Center Philadelphia
Classification: Pathogenic for Anophthalmia/microphthalmia-esophageal atresia syndrome. Review status: no assertion criteria provided. Collection method: research. Allele origin: germline. Inheritance: Autosomal dominant inheritance. Affected: yes. Observed: 1 variant allele.

NM_003106.4(SOX2):c.16G>T (p.Glu6Ter)

Genes: SOX2-OT (SOX2 overlapping transcript; plus strand), SOX2 (SRY-box transcription factor 2; plus strand), LOC108281177 (SOX2 5' regulatory region; plus strand). Cytogenetic location: 3q26.33.
Variant type: single nucleotide variant.
Coding change: c.16G>T on transcript NM_003106.4 (MANE Select); coding-DNA position 16, G replaced by T.
Protein change: p.Glu6Ter; replaces glutamic acid 6 with a stop codon.
Molecular consequence: nonsense.
Genome position (GRCh38, 1-based): chr3:181,712,376, G>T. VCF-style: chr3-181712376-G-T. GRCh37 (hg19) VCF-style: chr3-181430164-G-T.
Other names: short protein forms E6*.
Identifiers: ClinVar variation 986774 (VCV000986774.1), dbSNP rs1273721978, ClinGen allele CA355472948.